The following is an entry in ClinVar:

NM_006267.5(RANBP2):c.1967T>C (p.Ile656Thr)

Gene: RANBP2 (RAN binding protein 2; plus strand). Cytogenetic location: 2q13.
Variant type: single nucleotide variant.
Coding change: c.1967T>C on transcript NM_006267.5 (MANE Select); coding-DNA position 1967, T replaced by C.
Protein change: p.Ile656Thr; replaces isoleucine 656 with threonine.
Molecular consequence: missense variant.
Genome position (GRCh38, 1-based): chr2:108,753,475, T>C. VCF-style: chr2-108753475-T-C. GRCh37 (hg19) VCF-style: chr2-109369931-T-C.
Other names: c.1967T>C, p.Ile656Thr (NM_001415871.1, NM_001415873.1); c.1964T>C, p.Ile655Thr (NM_001415872.1); short protein forms I655T, I656T.
Identifiers: ClinVar variation 2282483 (VCV002282483.6), dbSNP rs1204704940, ClinGen allele CA348053045.

ClinVar aggregate classification (germline): Uncertain significance. Review status: criteria provided, multiple submitters, no conflicts (2 of 4 stars). 2 submissions from 2 submitters: Uncertain significance (2). Last evaluated 2025-08-03.

Conditions:
Familial acute necrotizing encephalopathy (IIAE3). Also called: ENCEPHALOPATHY, ACUTE, INFECTION-INDUCED, SUSCEPTIBILITY TO, 3; Susceptibility to Acute Necrotizing Encephalopathy 1. Identifiers: Orphanet 88619, MedGen C2675556, MONDO:0011953, OMIM 608033.

Allele frequency attached by ClinVar (database versions not stated): gnomAD 0.00001; gnomAD exomes 0.00001; TOPMed 0.00001.
gnomAD v4.1: 11 of 1,611,804 alleles (0.00068%); highest among the groups gnomAD compares: Non-Finnish European, 0.00093%; no homozygotes.

Submissions (2):

Ambry Genetics
Classification: Uncertain significance. Last evaluated: 2025-08-03. Review status: criteria provided, single submitter. Criteria: Ambry Variant Classification Scheme 2023. Collection method: clinical testing. Allele origin: germline.

Labcorp Genetics (formerly Invitae), Labcorp
Classification: Uncertain significance for Familial acute necrotizing encephalopathy. Last evaluated: 2025-03-13. Review status: criteria provided, single submitter. Criteria: Invitae Variant Classification Sherloc (09022015). Collection method: clinical testing. Allele origin: germline.
Comment: This sequence change replaces isoleucine, which is neutral and non-polar, with threonine, which is neutral and polar, at codon 656 of the RANBP2 protein (p.Ile656Thr). This variant is not present in population databases (gnomAD no frequency). This variant has not been reported in the literature in individuals affected with RANBP2-related conditions. ClinVar contains an entry for this variant (Variation ID: 2282483). An algorithm developed to predict the effect of missense changes on protein structure and function (PolyPhen-2) suggests that this variant is likely to be tolerated. In summary, the available evidence is currently insufficient to determine the role of this variant in disease. Therefore, it has been classified as a Variant of Uncertain Significance.